The following is an entry in ClinVar:

ClinVar aggregate classification (germline): Uncertain significance (1 of 4 stars; one submission).

Submission:

Labcorp Genetics (formerly Invitae), Labcorp
Classification: Uncertain significance. Last evaluated: 2023-03-18. Review status: criteria provided, single submitter. Criteria: Invitae Variant Classification Sherloc (09022015). Collection method: clinical testing. Allele origin: germline.
Comment: In summary, the available evidence is currently insufficient to determine the role of this variant in disease. Therefore, it has been classified as a Variant of Uncertain Significance. Variants that disrupt the consensus splice site are a relatively common cause of aberrant splicing (PMID: 17576681, 9536098). Algorithms developed to predict the effect of sequence changes on RNA splicing suggest that this variant is not likely to affect RNA splicing. This variant has not been reported in the literature in individuals affected with CACNA1B-related conditions. This variant is not present in population databases (gnomAD no frequency). This sequence change falls in intron 16 of the CACNA1B gene. It does not directly change the encoded amino acid sequence of the CACNA1B protein. It affects a nucleotide within the consensus splice site.

Literature cited by the submitters: PubMed 17576681; PubMed 9536098.

NM_000718.4(CACNA1B):c.2093-3C>T

Gene: CACNA1B (calcium voltage-gated channel subunit alpha1 B; plus strand). Cytogenetic location: 9q34.3.
Variant type: single nucleotide variant.
Coding change: c.2093-3C>T on transcript NM_000718.4 (MANE Select); 3 bases into the intron before coding-DNA position 2093, C replaced by T.
Molecular consequence: intron variant.
Genome position (GRCh38, 1-based): chr9:138,010,007, C>T. VCF-style: chr9-138010007-C-T. GRCh37 (hg19) VCF-style: chr9-140904459-C-T.
Other names: c.2093-3C>T (NM_001243812.2).
Identifiers: ClinVar variation 2789882 (VCV002789882.3), dbSNP rs2539345091, ClinGen allele CA2739265273.